The following is an entry in ClinVar:

NM_006831.3(CLP1):c.970G>A (p.Val324Met)

Gene: CLP1 (cleavage factor polyribonucleotide kinase subunit 1; plus strand). Cytogenetic location: 11q12.1.
Variant type: single nucleotide variant.
Coding change: c.970G>A on transcript NM_006831.3 (MANE Select); coding-DNA position 970, G replaced by A.
Protein change: p.Val324Met; replaces valine 324 with methionine.
Molecular consequence: missense variant.
Genome position (GRCh38, 1-based): chr11:57,661,128, G>A. VCF-style: chr11-57661128-G-A. GRCh37 (hg19) VCF-style: chr11-57428600-G-A.
Other names: c.778G>A, p.Val260Met (NM_001142597.2); short protein forms V260M, V324M.
Identifiers: ClinVar variation 2099562 (VCV002099562.4), dbSNP rs749776228, ClinGen allele CA6008610.

ClinVar aggregate classification (germline): Uncertain significance (1 of 4 stars; one submission).

Allele frequency attached by ClinVar (database versions not stated): gnomAD exomes below 0.00001; ExAC 0.00001; gnomAD 0.00001.

Submission:

Labcorp Genetics (formerly Invitae), Labcorp
Classification: Uncertain significance. Last evaluated: 2022-02-28. Review status: criteria provided, single submitter. Criteria: Invitae Variant Classification Sherloc (09022015). Collection method: clinical testing. Allele origin: germline.
Comment: This sequence change replaces valine, which is neutral and non-polar, with methionine, which is neutral and non-polar, at codon 324 of the CLP1 protein (p.Val324Met). This variant is present in population databases (rs749776228, gnomAD 0.002%). This variant has not been reported in the literature in individuals affected with CLP1-related conditions. Algorithms developed to predict the effect of missense changes on protein structure and function are either unavailable or do not agree on the potential impact of this missense change (SIFT: "Deleterious"; PolyPhen-2: "Probably Damaging"; Align-GVGD: "Class C0"). In summary, the available evidence is currently insufficient to determine the role of this variant in disease. Therefore, it has been classified as a Variant of Uncertain Significance.